The following is an entry in ClinVar:

NM_015122.3(FCHO1):c.1183-32T>C

Gene: FCHO1 (FCH and mu domain containing endocytic adaptor 1; plus strand). Cytogenetic location: 19p13.11.
Variant type: single nucleotide variant.
Coding change: c.1183-32T>C on transcript NM_015122.3 (MANE Select); 32 bases into the intron before coding-DNA position 1183, T replaced by C.
Molecular consequence: intron variant.
Genome position (GRCh38, 1-based): chr19:17,776,215, T>C. VCF-style: chr19-17776215-T-C. GRCh37 (hg19) VCF-style: chr19-17887024-T-C.
Other names: c.1183-32T>C (NM_001384370.1, NM_001384396.1, NM_001384404.1 and 25 more transcripts); c.1108-32T>C (NM_001384390.1); c.1033-32T>C (NM_001384406.1, NM_001384407.1, NM_001384384.1 and 3 more transcripts); c.1138-32T>C (NM_001384403.1); c.1144-32T>C (NM_001384388.1, NM_001384405.1, NM_001384389.1).
Identifiers: ClinVar variation 2688154 (VCV002688154.2), dbSNP rs2287853, ClinGen allele CA9300421.

ClinVar aggregate classification (germline): Benign (1 of 4 stars; one submission).

Allele frequency attached by ClinVar (database versions not stated): 1000 Genomes Project 30x 0.86524; 1000 Genomes Project 0.86681; TOPMed 0.88725; gnomAD 0.89687; ESP Exome Variant Server 0.90143; ExAC 0.91433; gnomAD exomes 0.93021.
gnomAD v4.1: 1,495,534 of 1,613,908 alleles (93%); highest among the groups gnomAD compares: Middle Eastern, 94%; 694,146 homozygotes.

Submission:

Unidad de Genómica Garrahan, Hospital de Pediatría Garrahan
Classification: Benign. Last evaluated: 2024-01-24. Review status: criteria provided, single submitter. Criteria: ACMG Guidelines, 2015. Collection method: clinical testing. Allele origin: germline. Affected: no. Observed: 94 variant alleles.
Comment: This variant is classified as Benign based on local population frequency. This variant was detected in 99% of patients studied by a panel of primary immunodeficiencies. Number of patients: 94. Only high quality variants are reported.